The following is an entry in ClinVar:

ClinVar aggregate classification (germline): Uncertain significance (1 of 4 stars; one submission).

gnomAD v4.1: 1 of 1,613,710 alleles (0.000062%); highest among the groups gnomAD compares: Non-Finnish European, 0.000085%; no homozygotes.

Submission:

Ambry Genetics
Classification: Uncertain significance. Last evaluated: 2021-11-24. Review status: criteria provided, single submitter. Criteria: Ambry Variant Classification Scheme 2023. Collection method: clinical testing. Allele origin: germline.
Comment: The p.V521M variant (also known as c.1561G>A), located in coding exon 15 of the PRKDC gene, results from a G to A substitution at nucleotide position 1561. The valine at codon 521 is replaced by methionine, an amino acid with highly similar properties. This amino acid position is conserved. In addition, this alteration is predicted to be tolerated by in silico analysis. Since supporting evidence is limited at this time, the clinical significance of this alteration remains unclear.

NM_006904.7(PRKDC):c.1561G>A (p.Val521Met)

Gene: PRKDC (protein kinase, DNA-activated, catalytic subunit; minus strand). Cytogenetic location: 8q11.21.
Variant type: single nucleotide variant.
Coding change: c.1561G>A on transcript NM_006904.7 (MANE Select); coding-DNA position 1561, G replaced by A.
Protein change: p.Val521Met; replaces valine 521 with methionine.
Molecular consequence: missense variant.
Genome position (GRCh38, 1-based): chr8:47,934,027, C>T on the plus strand (G>A on the coding strand, the complement: PRKDC is on the minus strand). VCF-style: chr8-47934027-C-T. GRCh37 (hg19) VCF-style: chr8-48846587-C-T.
Other names: c.1561G>A, p.Val521Met (NM_001081640.2); short protein forms V521M.
Identifiers: ClinVar variation 1775275 (VCV001775275.2), dbSNP rs189887419, ClinGen allele CA371165381.